The following is an entry in ClinVar:

NM_001351132.2(PEX5):c.182A>G (p.Glu61Gly)

Gene: PEX5 (peroxisomal biogenesis factor 5; plus strand). Cytogenetic location: 12p13.31.
Variant type: single nucleotide variant.
Coding change: c.182A>G on transcript NM_001351132.2 (MANE Select); coding-DNA position 182, A replaced by G.
Protein change: p.Glu61Gly; replaces glutamic acid 61 with glycine.
Molecular consequence: missense variant.
Genome position (GRCh38, 1-based): chr12:7,190,922, A>G. VCF-style: chr12-7190922-A-G. GRCh37 (hg19) VCF-style: chr12-7343518-A-G.
Other names: c.182A>G (NM_001131025.1); c.182A>G, p.Glu61Gly (NM_000319.5, NM_001131024.2, NM_001131025.2 and 19 more transcripts); c.227A>G, p.Glu76Gly (NM_001131023.2, NM_001351135.3, NM_001351138.2); short protein forms E61G, E76G.
Identifiers: ClinVar variation 2194550 (VCV002194550.2), dbSNP rs374279244, ClinGen allele CA383710198.

ClinVar aggregate classification (germline): Uncertain significance. Review status: criteria provided, multiple submitters, no conflicts (2 of 4 stars). 2 submissions from 2 submitters: Uncertain significance (2). Last evaluated 2025-06-30.

Conditions:
Peroxisome biogenesis disorder 2B (PBD2B). Identifiers: Orphanet 44, MedGen C3550234, MONDO:0008736, OMIM 202370.
Inborn genetic diseases. Identifiers: MedGen C0950123, MeSH D030342.

Allele frequency attached by ClinVar (database versions not stated): gnomAD 0.00001; gnomAD exomes 0.00001; TOPMed 0.00001.

Submissions (2):

Ambry Genetics
Classification: Uncertain significance for Inborn genetic diseases. Last evaluated: 2025-06-30. Review status: criteria provided, single submitter. Criteria: Ambry Variant Classification Scheme 2023. Collection method: clinical testing. Allele origin: germline.

Labcorp Genetics (formerly Invitae), Labcorp
Classification: Uncertain significance for Peroxisome biogenesis disorder 2B. Last evaluated: 2022-03-12. Review status: criteria provided, single submitter. Criteria: Invitae Variant Classification Sherloc (09022015). Collection method: clinical testing. Allele origin: germline.
Comment: This sequence change replaces glutamic acid, which is acidic and polar, with glycine, which is neutral and non-polar, at codon 61 of the PEX5 protein (p.Glu61Gly). This variant is present in population databases (no rsID available, gnomAD 0.0009%). This variant has not been reported in the literature in individuals affected with PEX5-related conditions. Algorithms developed to predict the effect of missense changes on protein structure and function are either unavailable or do not agree on the potential impact of this missense change (SIFT: "Deleterious"; PolyPhen-2: "Benign"; Align-GVGD: "Class C0"). In summary, the available evidence is currently insufficient to determine the role of this variant in disease. Therefore, it has been classified as a Variant of Uncertain Significance.